The following is an entry in ClinVar:

ClinVar aggregate classification (germline): Uncertain significance (1 of 4 stars; one submission).

Conditions:
Primary ciliary dyskinesia. Also called: Ciliary dyskinesia. Identifiers: Orphanet 244, MedGen C0008780, MONDO:0016575, HP:0012265.

gnomAD v4.1: 9 of 1,613,796 alleles (0.00056%); highest among the groups gnomAD compares: South Asian, 0.0022%; no homozygotes.

Submission:

Labcorp Genetics (formerly Invitae), Labcorp
Classification: Uncertain significance for Primary ciliary dyskinesia. Last evaluated: 2024-05-20. Review status: criteria provided, single submitter. Criteria: Invitae Variant Classification Sherloc (09022015). Collection method: clinical testing. Allele origin: germline.
Comment: This sequence change affects codon 4043 of the DNAH8 mRNA. It is a 'silent' change, meaning that it does not change the encoded amino acid sequence of the DNAH8 protein. This variant also falls at the last nucleotide of exon 80, which is part of the consensus splice site for this exon. This variant is present in population databases (rs761918258, gnomAD 0.004%). This variant has not been reported in the literature in individuals affected with DNAH8-related conditions. Variants that disrupt the consensus splice site are a relatively common cause of aberrant splicing (PMID: 17576681, 9536098). Algorithms developed to predict the effect of sequence changes on RNA splicing suggest that this variant may disrupt the consensus splice site. In summary, the available evidence is currently insufficient to determine the role of this variant in disease. Therefore, it has been classified as a Variant of Uncertain Significance.

Literature cited by the submitters: PubMed 17576681; PubMed 9536098.

NM_001206927.2(DNAH8):c.12129G>A (p.Gln4043=)

Genes: DNAH8 (dynein axonemal heavy chain 8; plus strand), DNAH8-AS1 (DNAH8 antisense RNA 1; minus strand). Cytogenetic location: 6p21.2.
Variant type: single nucleotide variant.
Coding change: c.12129G>A on transcript NM_001206927.2 (MANE Select); coding-DNA position 12129, G replaced by A.
Protein change: p.Gln4043=; no amino-acid change (glutamine 4043 retained).
Molecular consequence: synonymous variant.
Genome position (GRCh38, 1-based): chr6:38,945,588, G>A. VCF-style: chr6-38945588-G-A. GRCh37 (hg19) VCF-style: chr6-38913364-G-A.
Other names: c.11478G>A, p.Gln3826= (NM_001371.4).
Identifiers: ClinVar variation 3622115 (VCV003622115.2).